The following is an entry in ClinVar:

NM_001267550.2(TTN):c.48991_48993del (p.Ile16331del)

Genes: TTN (titin; minus strand), TTN-AS1 (TTN antisense RNA 1; plus strand), LOC126806426 (BRD4-independent group 4 enhancer GRCh37_chr2:179478848-179480047; plus strand). Cytogenetic location: 2q31.2.
Variant type: Deletion.
Coding change: c.48991_48993del on transcript NM_001267550.2 (MANE Select); coding-DNA positions 48991 to 48993, 3 bases deleted (ATT; older notation c.48991_48993delATT).
Protein change: p.Ile16331del; deletes isoleucine 16331.
Molecular consequence: inframe deletion. On other transcripts: non-coding transcript variant (1).
Genome position (GRCh38, 1-based): chr2:178,614,521-178,614,523, AAT deleted on the plus strand (ATT on the coding strand, the reverse complement: TTN is on the minus strand). VCF-style (leftmost placement, unchanged base first): chr2-178614520-CAAT-C. GRCh37 (hg19) VCF-style: chr2-179479247-CAAT-C.
Other names: c.44068_44070del, p.Ile14690del (NM_001256850.1); c.21796_21798del, p.Ile7266del (NM_003319.4); c.41287_41289del, p.Ile13763del (NM_133378.4); c.22171_22173del, p.Ile7391del (NM_133432.3); c.22372_22374del, p.Ile7458del (NM_133437.4); c.21796_21798delATT (NM_003319.4); short protein forms I16331del, I7266del, I13763del, I14690del, I7458del, I7391del.
Identifiers: ClinVar variation 264124 (VCV000264124.6), dbSNP rs886039052, ClinGen allele CA10587499.
Genomic context (GRCh38, chr2:178,614,520, plus strand): 5'-CCTTACCTAAGACGTTCACTTCCACCACAGCAGTGGCCCGGCCACACACATTCACAGCCT[CAAT>C]GATATATGTGCCAGTGTCACTTCTCTTACTATCAACAATAGTCACTGTGGATTTCTTAGG-3'

ClinVar aggregate classification (germline): Uncertain significance (1 of 4 stars; one submission).

Conditions:
Cardiovascular phenotype. Identifiers: MedGen CN230736.

Submission:

Ambry Genetics
Classification: Uncertain significance for Cardiovascular phenotype. Last evaluated: 2023-09-11. Review status: criteria provided, single submitter. Criteria: Ambry Variant Classification Scheme 2023. Collection method: clinical testing. Allele origin: germline.
Comment: The c.21796_21798delATT variant (also known as p.I7266del), located in coding exon 88 of the TTN gene, results from an in-frame ATT deletion at nucleotide positions 21796 to 21798. This results in the in-frame deletion of an isoleucine at codon 7266. This amino acid position is highly conserved in available vertebrate species.Since supporting evidence is limited at this time, the clinical significance of this alteration remains unclear.

Literature cited by the submitters: PubMed 33029862.